The following is an entry in ClinVar:

NM_014423.4(AFF4):c.1390C>G (p.Pro464Ala)

Gene: AFF4 (ALF transcription elongation factor 4; minus strand). Cytogenetic location: 5q31.1.
Variant type: single nucleotide variant.
Coding change: c.1390C>G on transcript NM_014423.4 (MANE Select); coding-DNA position 1390, C replaced by G.
Protein change: p.Pro464Ala; replaces proline 464 with alanine.
Molecular consequence: missense variant.
Genome position (GRCh38, 1-based): chr5:132,897,240, G>C on the plus strand (C>G on the coding strand, the complement: AFF4 is on the minus strand). VCF-style: chr5-132897240-G-C. GRCh37 (hg19) VCF-style: chr5-132232932-G-C.
Other names: short protein forms P464A.
Identifiers: ClinVar variation 5001541 (VCV005001541.1).

ClinVar aggregate classification (germline): Uncertain significance (1 of 4 stars; one submission).

Conditions:
AFF4-related disorder. Also called: AFF4-related condition.

gnomAD v4.1: 2 of 1,610,012 alleles (0.00012%); highest among the groups gnomAD compares: Non-Finnish European, 0.00017%; no homozygotes.

Submission:

PreventionGenetics, part of Exact Sciences
Classification: Uncertain significance for AFF4-related condition. Last evaluated: 2025-01-31. Review status: criteria provided, single submitter. Criteria: ACMG Guidelines, 2015. Collection method: clinical testing. Allele origin: germline.
Comment: The AFF4 c.1390C>G variant is predicted to result in the amino acid substitution p.Pro464Ala. To our knowledge, this variant has not been reported in the literature. This variant is reported in 0.0018% of alleles in individuals of European (Non-Finnish) descent in gnomAD. At this time, the clinical significance of this variant is uncertain due to the absence of conclusive functional and genetic evidence.